The following is an entry in ClinVar:

NC_000001.10:g.(?_1407144)_(1433229_?)del

Gene: ATAD3B (ATPase family AAA domain containing 3B; plus strand). Cytogenetic location: 1p36.33.
Variant type: Deletion.
Identifiers: ClinVar variation 3366439 (VCV003366439.1).

ClinVar aggregate classification (germline): Uncertain significance (1 of 4 stars; one submission).

Submission:

Women's Health and Genetics/Laboratory Corporation of America, LabCorp
Classification: Uncertain significance. Last evaluated: 2024-08-07. Review status: criteria provided, single submitter. Criteria: LabCorp Variant Classification Summary - May 2015. Collection method: clinical testing. Allele origin: germline.
Comment: Variant summary: The variant involves the deletion of exons 1-16 in the ATAD3B gene. A presumed nomenclature of c.(?_-121)_(*2032_?)del has been designated for the purposes of this classification. This deletion includes the entire coding sequence of the gene. As the exact proximal and distal breakpoints are unknown, it may extend beyond the annotated region of the gene to include other flanking genes. Current evidence is not sufficient to establish loss of function as a mechanism for disease. The variant allele was found at a frequency of 0.013 in 111390 control chromosomes in the gnomAD database, including 6 homozygotes (gnomAD SV database v4). The observed variant frequency exceeds the estimated maximal expected allele frequency for a pathogenic variant in ATAD3B causing ATAD3B-Related Disorders phenotype. It is worth noting that there are multiple overlapping deletions at the ATAD3 gene locus, which is composed of three paralogs (ATAD3A, ATAD3B, ATAD3C) with extensive sequence homology (PMID 32004445), and it is suggested that de noo duplications in this ATAD3 locus might lead to fatal perinatal mitochondrial cardiac failure (PMID 33575671). As the gene-disease association of ATAD3B has not been established, such frequencies are inconclusive to fully rule out a pathogenic variant in ATAD3B-related phenotypes. Several deletions arising from this gene cluster, involving full/partial ATAD3B gene and other ATAD3 genes, have been reported in the literature at a homozygous state in at-least one individual affected with fatal congenital pontocerebellar hypoplasia (example, Desai_2017). These data indicate that the variant may be associated with disease. To our knowledge, no experimental evidence demonstrating an impact on protein function has been reported. The following publication have been ascertained in the context of this evaluation (PMID: 28549128). No submitters have cited clinical-significance assessments for this variant to ClinVar. Based on the evidence outlined above, the variant was classified as VUS-possibly benign.

Literature cited by the submitters: PubMed 28549128.